The following is an entry in ClinVar:

NM_000260.4(MYO7A):c.4017C>T (p.Asn1339=)

Gene: MYO7A (myosin VIIA; plus strand). Cytogenetic location: 11q13.5.
Variant type: single nucleotide variant.
Coding change: c.4017C>T on transcript NM_000260.4 (MANE Select); coding-DNA position 4017, C replaced by T.
Protein change: p.Asn1339=; no amino-acid change (asparagine 1339 retained).
Molecular consequence: synonymous variant.
Genome position (GRCh38, 1-based): chr11:77,192,143, C>T. VCF-style: chr11-77192143-C-T. GRCh37 (hg19) VCF-style: chr11-76903188-C-T.
Other names: c.4017C>T (NM_000260.3); c.4017C>T, p.Asn1339= (NM_001127180.2); c.3984C>T, p.Asn1328= (NM_001369365.1).
Identifiers: ClinVar variation 1125333 (VCV001125333.10), dbSNP rs767000906, ClinGen allele CA6198287.

ClinVar aggregate classification (germline): Likely benign. Review status: criteria provided, multiple submitters, no conflicts (2 of 4 stars). 2 submissions from 2 submitters: Likely benign (2). Last evaluated 2025-02-20.

Conditions:
MYO7A-related disorder. Also called: MYO7A-related disorders.

Allele frequency attached by ClinVar (database versions not stated): ExAC 0.00002; gnomAD 0.00004; TOPMed 0.00004.
gnomAD v4.1: 30 of 1,613,856 alleles (0.0019%); highest among the groups gnomAD compares: Admixed American, 0.0083%; no homozygotes.

Submissions (2):

PreventionGenetics, part of Exact Sciences
Classification: Likely benign for MYO7A-related condition. Last evaluated: 2025-02-20. Review status: criteria provided, single submitter. Criteria: ACMG Guidelines, 2015. Collection method: clinical testing. Allele origin: germline.
Comment: This variant is classified as likely benign based on ACMG/AMP sequence variant interpretation guidelines (Richards et al. 2015 PMID: 25741868, with internal and published modifications).

Labcorp Genetics (formerly Invitae), Labcorp
Classification: Likely benign. Last evaluated: 2024-04-09. Review status: criteria provided, single submitter. Criteria: Invitae Variant Classification Sherloc (09022015). Collection method: clinical testing. Allele origin: germline.